The following is an entry in ClinVar:

ClinVar aggregate classification (germline): Conflicting classifications of pathogenicity. Review status: criteria provided, conflicting classifications (1 of 4 stars). 4 submissions from 4 submitters: Uncertain significance (2); Likely benign (1). 1 of the submissions does not count toward it. Last evaluated 2025-03-26.

Conditions:
Inborn genetic diseases. Identifiers: MedGen C0950123, MeSH D030342.
Bardet-Biedl syndrome (BBS). Identifiers: Orphanet 110, MedGen C0752166, MONDO:0015229.
Bardet-Biedl syndrome 1 (BBS1). Identifiers: MedGen C2936862, MONDO:0008854, OMIM 209900. Disease mechanism: loss of function.

Allele frequency attached by ClinVar (database versions not stated): gnomAD exomes below 0.00001 and 0.00001; gnomAD 0.00002; TOPMed 0.00001.
gnomAD v4.1: 10 of 1,614,072 alleles (0.00062%); highest among the groups gnomAD compares: Admixed American, 0.0083%; no homozygotes.

Submissions (4):

Ambry Genetics
Classification: Likely benign for Inborn genetic diseases. Last evaluated: 2025-03-26. Review status: criteria provided, single submitter. Criteria: Ambry Variant Classification Scheme 2023. Collection method: clinical testing. Allele origin: germline.

Fulgent Genetics
Classification: Uncertain significance for Bardet-Biedl syndrome 1. Last evaluated: 2024-02-12. Review status: criteria provided, single submitter. Criteria: ACMG Guidelines, 2015. Collection method: clinical testing. Allele origin: germline.

Labcorp Genetics (formerly Invitae), Labcorp
Classification: Uncertain significance for Bardet-Biedl syndrome. Last evaluated: 2022-02-19. Review status: criteria provided, single submitter. Criteria: Invitae Variant Classification Sherloc (09022015). Collection method: clinical testing. Allele origin: germline.
Comment: This sequence change replaces serine, which is neutral and polar, with alanine, which is neutral and non-polar, at codon 529 of the BBS1 protein (p.Ser529Ala). This variant is present in population databases (no rsID available, gnomAD 0.009%). This variant has not been reported in the literature in individuals affected with BBS1-related conditions. ClinVar contains an entry for this variant (Variation ID: 462954). Algorithms developed to predict the effect of missense changes on protein structure and function output the following: SIFT: "Tolerated"; PolyPhen-2: "Benign"; Align-GVGD: "Class C0". The alanine amino acid residue is found in multiple mammalian species, which suggests that this missense change does not adversely affect protein function. In summary, the available evidence is currently insufficient to determine the role of this variant in disease. Therefore, it has been classified as a Variant of Uncertain Significance.

Natera, Inc.
Classification: Uncertain significance for Bardet-Biedl syndrome type 1. Last evaluated: 2019-10-28. Review status: no assertion criteria provided. Collection method: clinical testing. Allele origin: germline. Not counted in ClinVar's aggregate classification.

NM_024649.5(BBS1):c.1585T>G (p.Ser529Ala)

Genes: BBS1 (Bardet-Biedl syndrome 1; plus strand), ZDHHC24 (zDHHC palmitoyltransferase 24; minus strand). Cytogenetic location: 11q13.2.
Variant type: single nucleotide variant.
Coding change: c.1585T>G on transcript NM_024649.5 (MANE Select); coding-DNA position 1585, T replaced by G.
Protein change: p.Ser529Ala; replaces serine 529 with alanine.
Molecular consequence: missense variant. On other transcripts: intron variant (1).
Genome position (GRCh38, 1-based): chr11:66,531,005, T>G. VCF-style: chr11-66531005-T-G. GRCh37 (hg19) VCF-style: chr11-66298476-T-G.
Other names: c.560-1517A>C (NM_001348571.2); short protein forms S529A.
Identifiers: ClinVar variation 462954 (VCV000462954.10), dbSNP rs1316472200, ClinGen allele CA381425552.